The following is an entry in ClinVar:

NM_015978.3(TNNI3K):c.2063A>T (p.Tyr688Phe)

Genes: FPGT-TNNI3K (FPGT-TNNI3K readthrough; plus strand), TNNI3K (TNNI3 interacting kinase; plus strand). Cytogenetic location: 1p31.1.
Variant type: single nucleotide variant.
Coding change: c.2063A>T on transcript NM_015978.3 (MANE Select); coding-DNA position 2063, A replaced by T.
Protein change: p.Tyr688Phe; replaces tyrosine 688 with phenylalanine.
Molecular consequence: missense variant.
Genome position (GRCh38, 1-based): chr1:74,463,492, A>T. VCF-style: chr1-74463492-A-T. GRCh37 (hg19) VCF-style: chr1-74929176-A-T.
Other names: c.2366A>T, p.Tyr789Phe (NM_001112808.3, NM_001199327.2); short protein forms Y688F, Y789F.
Identifiers: ClinVar variation 3809051 (VCV003809051.2).

ClinVar aggregate classification (germline): Uncertain significance. Review status: criteria provided, multiple submitters, no conflicts (2 of 4 stars). 2 submissions from 2 submitters: Uncertain significance (2). Last evaluated 2025-07-09.

Conditions:
Inborn genetic diseases. Identifiers: MedGen C0950123, MeSH D030342.

gnomAD v4.1: 3 of 1,614,100 alleles (0.00019%); highest among the groups gnomAD compares: African/African-American, 0.0027%; no homozygotes.

Submissions (2):

Labcorp Genetics (formerly Invitae), Labcorp
Classification: Uncertain significance. Last evaluated: 2025-07-09. Review status: criteria provided, single submitter. Criteria: Invitae Variant Classification Sherloc (09022015). Collection method: clinical testing. Allele origin: germline.
Comment: This sequence change replaces tyrosine, which is neutral and polar, with phenylalanine, which is neutral and non-polar, at codon 688 of the TNNI3K protein (p.Tyr688Phe). This variant is not present in population databases (gnomAD no frequency). This variant has not been reported in the literature in individuals affected with TNNI3K-related conditions. ClinVar contains an entry for this variant (Variation ID: 3809051). Invitae Evidence Modeling of protein sequence and biophysical properties (such as structural, functional, and spatial information, amino acid conservation, physicochemical variation, residue mobility, and thermodynamic stability) indicates that this missense variant is not expected to disrupt TNNI3K protein function with a negative predictive value of 80%. In summary, the available evidence is currently insufficient to determine the role of this variant in disease. Therefore, it has been classified as a Variant of Uncertain Significance.

Ambry Genetics
Classification: Uncertain significance for Inborn genetic diseases. Last evaluated: 2025-03-01. Review status: criteria provided, single submitter. Criteria: Ambry Variant Classification Scheme 2023. Collection method: clinical testing. Allele origin: germline.